The following is an entry in ClinVar:

NM_004453.4(ETFDH):c.512A>G (p.Asn171Ser)

Gene: ETFDH (electron transfer flavoprotein dehydrogenase; plus strand). Cytogenetic location: 4q32.1.
Variant type: single nucleotide variant.
Coding change: c.512A>G on transcript NM_004453.4 (MANE Select); coding-DNA position 512, A replaced by G.
Protein change: p.Asn171Ser; replaces asparagine 171 with serine.
Molecular consequence: missense variant.
Genome position (GRCh38, 1-based): chr4:158,685,125, A>G. VCF-style: chr4-158685125-A-G. GRCh37 (hg19) VCF-style: chr4-159606277-A-G.
Other names: c.371A>G, p.Asn124Ser (NM_001281737.2); c.329A>G, p.Asn110Ser (NM_001281738.1); short protein forms N124S, N171S, N110S.
Identifiers: ClinVar variation 968824 (VCV000968824.6), dbSNP rs1773969792, ClinGen allele CA358575360.

ClinVar aggregate classification (germline): Uncertain significance (1 of 4 stars; one submission).

Conditions:
Multiple acyl-CoA dehydrogenase deficiency (MADD). Also called: Glutaric aciduria, type 2; ETHYLMALONIC-ADIPICACIDURIA; GA II; Glutaric Acidemia type 2; Glutaric acidemia type II; GA 2. Identifiers: Orphanet 26791, MedGen C0268596, MONDO:0009282, OMIM 231680.

Allele frequency attached by ClinVar (database versions not stated): gnomAD exomes below 0.00001.
gnomAD v4.1: 3 of 1,609,490 alleles (0.00019%); highest among the groups gnomAD compares: Non-Finnish European, 0.00017%; no homozygotes.

Submission:

Labcorp Genetics (formerly Invitae), Labcorp
Classification: Uncertain significance for Multiple acyl-CoA dehydrogenase deficiency. Last evaluated: 2021-08-30. Review status: criteria provided, single submitter. Criteria: Invitae Variant Classification Sherloc (09022015). Collection method: clinical testing. Allele origin: germline.
Comment: This sequence change replaces asparagine with serine at codon 171 of the ETFDH protein (p.Asn171Ser). The asparagine residue is highly conserved and there is a small physicochemical difference between asparagine and serine. This variant is not present in population databases (ExAC no frequency). This variant has not been reported in the literature in individuals affected with ETFDH-related conditions. Algorithms developed to predict the effect of missense changes on protein structure and function are either unavailable or do not agree on the potential impact of this missense change (SIFT: "Deleterious"; PolyPhen-2: "Probably Damaging"; Align-GVGD: "Class C0"). Algorithms developed to predict the effect of sequence changes on RNA splicing suggest that this variant may create or strengthen a splice site. In summary, the available evidence is currently insufficient to determine the role of this variant in disease. Therefore, it has been classified as a Variant of Uncertain Significance.